The following is an entry in ClinVar:

ClinVar aggregate classification (germline): Uncertain significance (1 of 4 stars; one submission).

Conditions:
Reticular dysgenesis. Also called: DeVaal disease; ALEUKOCYTOSIS; CONGENITAL ALEUKIA; HEMATOPOIETIC HYPOPLASIA, GENERALIZED; RETICULAR DYSGENESIA; SEVERE COMBINED IMMUNODEFICIENCY WITH LEUKOPENIA. Identifiers: Orphanet 33355, MedGen C0272167, MONDO:0009973, OMIM 267500.

Allele frequency attached by ClinVar (database versions not stated): gnomAD exomes below 0.00001; TOPMed 0.00001.
gnomAD v4.1: 1 of 1,612,380 alleles (0.000062%); highest among the groups gnomAD compares: Non-Finnish European, 0.000085%; no homozygotes.

Submission:

Labcorp Genetics (formerly Invitae), Labcorp
Classification: Uncertain significance for Reticular dysgenesis. Last evaluated: 2025-09-02. Review status: criteria provided, single submitter. Criteria: Invitae Variant Classification Sherloc (09022015). Collection method: clinical testing. Allele origin: germline.
Comment: This sequence change replaces histidine, which is basic and polar, with aspartic acid, which is acidic and polar, at codon 153 of the AK2 protein (p.His153Asp). This variant is not present in population databases (gnomAD no frequency). This variant has not been reported in the literature in individuals affected with AK2-related conditions. ClinVar contains an entry for this variant (Variation ID: 581432). An algorithm developed to predict the effect of missense changes on protein structure and function (PolyPhen-2) suggests that this variant is likely to be disruptive. In summary, the available evidence is currently insufficient to determine the role of this variant in disease. Therefore, it has been classified as a Variant of Uncertain Significance.

NM_001625.4(AK2):c.457C>G (p.His153Asp)

Gene: AK2 (adenylate kinase 2; minus strand). Cytogenetic location: 1p35.1.
Variant type: single nucleotide variant.
Coding change: c.457C>G on transcript NM_001625.4 (MANE Select); coding-DNA position 457, C replaced by G.
Protein change: p.His153Asp; replaces histidine 153 with aspartic acid.
Molecular consequence: missense variant. On other transcripts: non-coding transcript variant (1).
Genome position (GRCh38, 1-based): chr1:33,014,563, G>C on the plus strand (C>G on the coding strand, the complement: AK2 is on the minus strand). VCF-style: chr1-33014563-G-C. GRCh37 (hg19) VCF-style: chr1-33480164-G-C.
Other names: c.433C>G, p.His145Asp (NM_001199199.3); c.313C>G, p.His105Asp (NM_001319139.3, NM_001319140.2); c.457C>G, p.His153Asp (NM_001319141.3, NM_013411.5); c.331C>G, p.His111Asp (NM_001319142.3); c.362C>G, p.Pro121Arg (NM_001319143.2); short protein forms H153D, H111D, H105D, H145D, P121R.
Identifiers: ClinVar variation 581432 (VCV000581432.8), dbSNP rs1164598375, ClinGen allele CA339700703.